The following is an entry in ClinVar:

NM_000046.5(ARSB):c.304C>A (p.Arg102Ser)

Genes: ARSB (arylsulfatase B; minus strand), LOC129994126 (ATAC-STARR-seq lymphoblastoid silent region 16127; plus strand). Cytogenetic location: 5q14.1.
Variant type: single nucleotide variant.
Coding change: c.304C>A on transcript NM_000046.5 (MANE Select); coding-DNA position 304, C replaced by A.
Protein change: p.Arg102Ser; replaces arginine 102 with serine.
Molecular consequence: missense variant.
Genome position (GRCh38, 1-based): chr5:78,984,945, G>T on the plus strand (C>A on the coding strand, the complement: ARSB is on the minus strand). VCF-style: chr5-78984945-G-T. GRCh37 (hg19) VCF-style: chr5-78280768-G-T.
Other names: c.304C>A, p.Arg102Ser (NM_198709.3); short protein forms R102S.
Identifiers: ClinVar variation 2694709 (VCV002694709.4), dbSNP rs2530666753, ClinGen allele CA360196320.

ClinVar aggregate classification (germline): Conflicting classifications of pathogenicity. Review status: criteria provided, conflicting classifications (1 of 4 stars). 2 submissions from 2 submitters: Likely pathogenic (1); Uncertain significance (1). Last evaluated 2024-06-05.

Conditions:
Mucopolysaccharidosis type 6 (MPS6). Also called: MPS VI; ARYLSULFATASE B DEFICIENCY; ARSB DEFICIENCY; N-ACETYLGALACTOSAMINE-4-SULFATASE DEFICIENCY; MPS 6; Maroteaux Lamy syndrome. Identifiers: Orphanet 583, MedGen C0026709, MONDO:0009661, OMIM 253200.

Submissions (2):

Women's Health and Genetics/Laboratory Corporation of America, LabCorp
Classification: Uncertain significance. Last evaluated: 2024-06-05. Review status: criteria provided, single submitter. Criteria: LabCorp Variant Classification Summary - May 2015. Collection method: clinical testing. Allele origin: germline.
Comment: Variant summary: ARSB c.304C>A (p.Arg102Ser) results in a non-conservative amino acid change located in the Sulfatase, N-terminal (IPR000917) of the encoded protein sequence. Five of five in-silico tools predict a damaging effect of the variant on protein function. The variant was absent in 104750 control chromosomes. The available data on variant occurrences in the general population are insufficient to allow any conclusion about variant significance. To our knowledge, no occurrence of c.304C>A in individuals affected with Mucopolysaccharidosis Type VI (Maroteaux-Lamy Syndrome) and no experimental evidence demonstrating its impact on protein function have been reported. ClinVar contains an entry for this variant (Variation ID: 2694709). Based on the evidence outlined above, the variant was classified as uncertain significance.

Labcorp Genetics (formerly Invitae), Labcorp
Classification: Likely pathogenic for Mucopolysaccharidosis type 6. Last evaluated: 2023-11-11. Review status: criteria provided, single submitter. Criteria: Invitae Variant Classification Sherloc (09022015). Collection method: clinical testing. Allele origin: germline.
Comment: This sequence change replaces arginine, which is basic and polar, with serine, which is neutral and polar, at codon 102 of the ARSB protein (p.Arg102Ser). This variant is not present in population databases (gnomAD no frequency). This variant has not been reported in the literature in individuals affected with ARSB-related conditions. Advanced modeling of protein sequence and biophysical properties (such as structural, functional, and spatial information, amino acid conservation, physicochemical variation, residue mobility, and thermodynamic stability) performed at Invitae indicates that this missense variant is expected to disrupt ARSB protein function with a positive predictive value of 95%. This variant disrupts the p.Arg102 amino acid residue in ARSB. Other variant(s) that disrupt this residue have been determined to be pathogenic (PMID: 17161971, 17458871). This suggests that this residue is clinically significant, and that variants that disrupt this residue are likely to be disease-causing. In summary, the currently available evidence indicates that the variant is pathogenic, but additional data are needed to prove that conclusively. Therefore, this variant has been classified as Likely Pathogenic.

Literature cited by the submitters: PubMed 17161971 (cited by Labcorp Genetics (formerly Invitae), Labcorp); PubMed 17458871 (cited by Labcorp Genetics (formerly Invitae), Labcorp).